The following is an entry in ClinVar:

NM_020843.4(SCAPER):c.1685G>A (p.Arg562His)

Gene: SCAPER (S-phase cyclin A associated protein in the ER; minus strand). Cytogenetic location: 15q24.3.
Variant type: single nucleotide variant.
Coding change: c.1685G>A on transcript NM_020843.4 (MANE Select); coding-DNA position 1685, G replaced by A.
Protein change: p.Arg562His; replaces arginine 562 with histidine.
Molecular consequence: missense variant. On other transcripts: non-coding transcript variant (1).
Genome position (GRCh38, 1-based): chr15:76,765,001, C>T on the plus strand (G>A on the coding strand, the complement: SCAPER is on the minus strand). VCF-style: chr15-76765001-C-T. GRCh37 (hg19) VCF-style: chr15-77057342-C-T.
Other names: c.947G>A, p.Arg316His (NM_001145923.2); c.1703G>A, p.Arg568His (NM_001353009.2); c.1283G>A, p.Arg428His (NM_001353010.2, NM_001353012.2); c.1301G>A, p.Arg434His (NM_001353011.2); c.1703G>A (NM_001353009.1); short protein forms R428H, R562H, R568H, R316H, R434H.
Identifiers: ClinVar variation 4630284 (VCV004630284.2).

ClinVar aggregate classification (germline): Uncertain significance. Review status: criteria provided, multiple submitters, no conflicts (2 of 4 stars). 2 submissions from 2 submitters: Uncertain significance (2). Last evaluated 2025-12-04.

Conditions:
Inborn genetic diseases. Identifiers: MedGen C0950123, MeSH D030342.
SCAPER-related disorder. Also called: SCAPER-related condition.

gnomAD v4.1: 21 of 1,602,642 alleles (0.0013%); highest among the groups gnomAD compares: East Asian, 0.0045%; 1 homozygote.

Submissions (2):

Ambry Genetics
Classification: Uncertain significance for Inborn genetic diseases. Last evaluated: 2025-12-04. Review status: criteria provided, single submitter. Criteria: Ambry Variant Classification Scheme 2023. Collection method: clinical testing. Allele origin: germline.

PreventionGenetics, part of Exact Sciences
Classification: Uncertain significance for SCAPER-related condition. Last evaluated: 2025-11-24. Review status: criteria provided, single submitter. Criteria: ACMG Guidelines, 2015. Collection method: clinical testing. Allele origin: germline.
Comment: The SCAPER c.1703G>A variant is predicted to result in the amino acid substitution p.Arg568His. To our knowledge, this variant has not been reported in the literature. This variant is reported in 0.0059% of alleles in individuals of East Asian descent in gnomAD. At this time, the clinical significance of this variant is uncertain due to the absence of conclusive functional and genetic evidence.